The following is an entry in ClinVar:

NM_005199.5(CHRNG):c.397_407del (p.Ser133fs)

Gene: CHRNG (cholinergic receptor nicotinic gamma subunit; plus strand). Cytogenetic location: 2q37.1.
Variant type: Deletion.
Coding change: c.397_407del on transcript NM_005199.5 (MANE Select); coding-DNA positions 397 to 407, 11 bases deleted (TCCCCTGACGG).
Protein change: p.Ser133fs; shifts the reading frame from serine 133.
Molecular consequence: frameshift variant.
Genome position (GRCh38, 1-based): chr2:232,541,420-232,541,430, TCCCCTGACGG deleted; deleting any 11 consecutive bases within chr2:232,541,419-232,541,430 gives the same sequence; the c. name uses the placement nearest the transcript's 3' end. VCF-style (leftmost placement, unchanged base first): chr2-232541418-TGTCCCCTGACG-T. GRCh37 (hg19) VCF-style: chr2-233406128-TGTCCCCTGACG-T.
Other names: short protein forms S133fs.
Identifiers: ClinVar variation 2724211 (VCV002724211.3), dbSNP rs2469748360, ClinGen allele CA2697550594.
Genomic context (GRCh38, chr2:232,541,418, plus strand): 5'-TGTTCTGTGCATACAGCGTGGACGGTGTCTTCGAGGTGGCCCTCTACTGCAATGTGCTCG[TGTCCCCTGACG>T]GCTGTATCTACTGGCTGCCGCCTGCCATCTTCCGTTCCGCCTGCTCTATCTCAGTCACCT-3'

ClinVar aggregate classification (germline): Pathogenic (1 of 4 stars; one submission).

Submission:

Labcorp Genetics (formerly Invitae), Labcorp
Classification: Pathogenic. Last evaluated: 2023-06-23. Review status: criteria provided, single submitter. Criteria: Invitae Variant Classification Sherloc (09022015). Collection method: clinical testing. Allele origin: germline.
Comment: This sequence change creates a premature translational stop signal (p.Ser133Leufs*41) in the CHRNG gene. It is expected to result in an absent or disrupted protein product. Loss-of-function variants in CHRNG are known to be pathogenic (PMID: 16826520). For these reasons, this variant has been classified as Pathogenic. This variant has not been reported in the literature in individuals affected with CHRNG-related conditions. This variant is not present in population databases (gnomAD no frequency).

Literature cited by the submitters: PubMed 16826520.